The following is an entry in ClinVar:

NM_004656.4(BAP1):c.10_11delinsC (p.Gly4fs)

Gene: BAP1 (BRCA1 associated deubiquitinase 1; minus strand). Cytogenetic location: 3p21.1.
Variant type: Indel.
Coding change: c.10_11delinsC on transcript NM_004656.4 (MANE Select); coding-DNA positions 10 to 11, GG replaced by C.
Protein change: p.Gly4fs; shifts the reading frame from glycine 4.
Molecular consequence: frameshift variant.
Genome position (GRCh38, 1-based): chr3:52,409,868-52,409,869, CC replaced by G on the plus strand (GG replaced by C on the coding strand, the reverse complement: BAP1 is on the minus strand). VCF-style: chr3-52409868-CC-G. GRCh37 (hg19) VCF-style: chr3-52443884-CC-G.
Other names: c.10_11delinsC, p.Gly4fs (NM_001410772.1); short protein forms G4fs.
Identifiers: ClinVar variation 2583743 (VCV002583743.2), dbSNP rs2471367863, ClinGen allele CA2582342867.
Genomic context (GRCh38, chr3:52,409,868, plus strand): 5'-CCCCAGCCCCTGGCCCTCCCGGTCCCCTCCTCACCTGGGTCGCTCTCCAGCTCCAGCCAG[CC>G]CTTATTCATCTTCCCGCGGGGCGGCCCCTCAGCGCCATGTCCAGGCCCTCCCTCCCCACC-3'

ClinVar aggregate classification (germline): Pathogenic (1 of 4 stars; one submission).

Conditions:
BAP1-related tumor predisposition syndrome (TPDS1). Also called: BAP1 tumor predisposition syndrome; Tumor susceptibility linked to germline BAP1 mutations; COMMON Syndrome; TUMOR PREDISPOSITION SYNDROME 1. Identifiers: Orphanet 289539, MedGen C3280492, MONDO:0013692, OMIM 614327.

Submission:

Myriad Genetics, Inc.
Classification: Pathogenic for BAP1-related tumor predisposition syndrome. Last evaluated: 2023-05-17. Review status: criteria provided, single submitter. Criteria: Myriad Autosomal Dominant, Autosomal Recessive and X-Linked Classification Criteria (2023). Collection method: clinical testing. Allele origin: unknown.
Comment: This variant is considered pathogenic. This variant creates a frameshift predicted to result in premature protein truncation.